The following is an entry in ClinVar:

NM_001018113.3(FANCB):c.143T>C (p.Met48Thr)

Gene: FANCB (FA complementation group B; minus strand). Cytogenetic location: Xp22.2.
Variant type: single nucleotide variant.
Coding change: c.143T>C on transcript NM_001018113.3 (MANE Select); coding-DNA position 143, T replaced by C.
Protein change: p.Met48Thr; replaces methionine 48 with threonine.
Molecular consequence: missense variant. On other transcripts: non-coding transcript variant (1).
Genome position (GRCh38, 1-based): chrX:14,865,368, A>G on the plus strand (T>C on the coding strand, the complement: FANCB is on the minus strand). VCF-style: chrX-14865368-A-G. GRCh37 (hg19) VCF-style: chrX-14883490-A-G.
Other names: c.143T>C, p.Met48Thr (NM_001324162.2, NM_001410764.1, NM_152633.4); short protein forms M48T.
Identifiers: ClinVar variation 3697086 (VCV003697086.2).

ClinVar aggregate classification (germline): Uncertain significance (1 of 4 stars; one submission).

Conditions:
Fanconi anemia (FA). Also called: Fanconi's anemia. Identifiers: Orphanet 84, MedGen C0015625, MeSH D005199, MONDO:0019391.

gnomAD v4.1: 1 of 1,203,600 alleles (0.000083%); highest among the groups gnomAD compares: Non-Finnish European, 0.00011%; no homozygotes.

Submission:

Labcorp Genetics (formerly Invitae), Labcorp
Classification: Uncertain significance for Fanconi anemia. Last evaluated: 2024-11-19. Review status: criteria provided, single submitter. Criteria: Invitae Variant Classification Sherloc (09022015). Collection method: clinical testing. Allele origin: germline.
Comment: This sequence change replaces methionine, which is neutral and non-polar, with threonine, which is neutral and polar, at codon 48 of the FANCB protein (p.Met48Thr). This variant is not present in population databases (gnomAD no frequency). This variant has not been reported in the literature in individuals affected with FANCB-related conditions. Invitae Evidence Modeling of protein sequence and biophysical properties (such as structural, functional, and spatial information, amino acid conservation, physicochemical variation, residue mobility, and thermodynamic stability) indicates that this missense variant is expected to disrupt FANCB protein function with a positive predictive value of 80%. In summary, the available evidence is currently insufficient to determine the role of this variant in disease. Therefore, it has been classified as a Variant of Uncertain Significance.